The following is an entry in ClinVar:

NM_001377142.1(PLCB4):c.2676C>T (p.Thr892=)

Gene: PLCB4 (phospholipase C beta 4; plus strand). Cytogenetic location: 20p12.2.
Variant type: single nucleotide variant.
Coding change: c.2676C>T on transcript NM_001377142.1 (MANE Select); coding-DNA position 2676, C replaced by T.
Protein change: p.Thr892=; no amino-acid change (threonine 892 retained).
Molecular consequence: synonymous variant.
Genome position (GRCh38, 1-based): chr20:9,437,064, C>T. VCF-style: chr20-9437064-C-T. GRCh37 (hg19) VCF-style: chr20-9417711-C-T.
Other names: c.2640C>T, p.Thr880= (NM_000933.4, NM_001377134.2, NM_001377135.1 and 2 more transcripts); c.2676C>T, p.Thr892= (NM_001172646.2, NM_001377143.1).
Identifiers: ClinVar variation 339582 (VCV000339582.17), dbSNP rs34678819, ClinGen allele CA9761442.

ClinVar aggregate classification (germline): Benign. Review status: criteria provided, multiple submitters, no conflicts (2 of 4 stars). 5 submissions from 5 submitters: Benign (4). 1 of the submissions does not count toward it. Last evaluated 2025-12-26.

Conditions:
PLCB4-related disorder. Also called: PLCB4-related condition.
Auriculocondylar syndrome 2 (ARCND2A). Also called: AURICULOCONDYLAR SYNDROME 2A. Identifiers: Orphanet 137888, MedGen C3553404, MONDO:0013845, OMIM 614669.

Allele frequency attached by ClinVar (database versions not stated): 1000 Genomes Project 0.01977; 1000 Genomes Project 30x 0.02217; TOPMed 0.02310; ESP Exome Variant Server 0.02630.
gnomAD v4.1: 6,294 of 1,613,912 alleles (0.39%); highest among the groups gnomAD compares: African/African-American, 7.3%; 189 homozygotes.

Submissions (5):

Labcorp Genetics (formerly Invitae), Labcorp
Classification: Benign. Last evaluated: 2025-12-26. Review status: criteria provided, single submitter. Criteria: Invitae Variant Classification Sherloc (09022015). Collection method: clinical testing. Allele origin: germline.

GeneDx
Classification: Benign. Last evaluated: 2021-05-06. Review status: criteria provided, single submitter. Criteria: GeneDx Variant Classification Process June 2021. Collection method: clinical testing. Allele origin: germline. Affected: yes.

Illumina Laboratory Services, Illumina
Classification: Benign for Auriculocondylar syndrome 2. Last evaluated: 2018-01-13. Review status: criteria provided, single submitter. Criteria: ICSL Variant Classification Criteria 13 December 2019. Collection method: clinical testing. Allele origin: germline.
Comment: This variant was observed in the ICSL laboratory as part of a predisposition screen in an ostensibly healthy population. It had not been previously curated by ICSL or reported in the Human Gene Mutation Database (HGMD: prior to June 1st, 2018), and was therefore a candidate for classification through an automated scoring system. Utilizing variant allele frequency, disease prevalence and penetrance estimates, and inheritance mode, an automated score was calculated to assess if this variant is too frequent to cause the disease. Based on the score and internal cut-off values, a variant classified as benign is not then subjected to further curation. The score for this variant resulted in a classification of benign for this disease.

Breakthrough Genomics
Classification: Benign. Review status: criteria provided, single submitter. Criteria: ACMG Guidelines, 2015. Collection method: not provided. Allele origin: germline. Inheritance: Autosomal dominant inheritance. Affected: yes.

PreventionGenetics, part of Exact Sciences
Classification: Benign for PLCB4-related condition. Last evaluated: 2019-08-13. Review status: no assertion criteria provided. Collection method: clinical testing. Allele origin: germline. Not counted in ClinVar's aggregate classification.
Comment: This variant is classified as benign based on ACMG/AMP sequence variant interpretation guidelines (Richards et al. 2015 PMID: 25741868, with internal and published modifications).